The following is an entry in ClinVar:

ClinVar aggregate classification (germline): Uncertain significance (0 of 4 stars; one submission).

Conditions:
ABCB11-related disorder. Also called: ABCB11-related condition.

gnomAD v4.1: 1 of 1,613,050 alleles (0.000062%); highest among the groups gnomAD compares: Non-Finnish European, 0.000085%; no homozygotes.

Submission:

PreventionGenetics, part of Exact Sciences
Classification: Uncertain significance for ABCB11-related condition. Last evaluated: 2024-07-02. Review status: no assertion criteria provided. Collection method: clinical testing. Allele origin: germline.
Comment: The ABCB11 c.943G>A variant is predicted to result in the amino acid substitution p.Gly315Arg. To our knowledge, this variant has not been reported in the literature or in a large population database, indicating this variant is rare. At this time, the clinical significance of this variant is uncertain due to the absence of conclusive functional and genetic evidence.

NM_003742.4(ABCB11):c.943G>A (p.Gly315Arg)

Gene: ABCB11 (ATP binding cassette subfamily B member 11; minus strand). Cytogenetic location: 2q31.1.
Variant type: single nucleotide variant.
Coding change: c.943G>A on transcript NM_003742.4 (MANE Select); coding-DNA position 943, G replaced by A.
Protein change: p.Gly315Arg; replaces glycine 315 with arginine.
Molecular consequence: missense variant.
Genome position (GRCh38, 1-based): chr2:168,986,250, C>T on the plus strand (G>A on the coding strand, the complement: ABCB11 is on the minus strand). VCF-style: chr2-168986250-C-T. GRCh37 (hg19) VCF-style: chr2-169842760-C-T.
Other names: short protein forms G315R.
Identifiers: ClinVar variation 3346616 (VCV003346616.1).
Genomic context (GRCh38, chr2:168,986,250, plus strand): 5'-AAAAGATGAGACACCACACGAATCCAGTAAAGAATCCCATCACTATTCCTTTTCTAATTC[C>T]CCAACGCTGGGCGAACACAAGATTTTTCTCATACCTGTGAAGACAAAATGCTTGAGTCAA-3'
Protein context (NP_003733.2, residues 305-325): EKNLVFAQRW[Gly315Arg]IRKGIVMGFF